The following is an entry in ClinVar:

NM_001201543.2(FAM161A):c.398A>G (p.Glu133Gly)

Gene: FAM161A (FAM161 centrosomal protein A; minus strand). Cytogenetic location: 2p15.
Variant type: single nucleotide variant.
Coding change: c.398A>G on transcript NM_001201543.2 (MANE Select); coding-DNA position 398, A replaced by G.
Protein change: p.Glu133Gly; replaces glutamic acid 133 with glycine.
Molecular consequence: missense variant. On other transcripts: non-coding transcript variant (1).
Genome position (GRCh38, 1-based): chr2:61,842,146, T>C on the plus strand (A>G on the coding strand, the complement: FAM161A is on the minus strand). VCF-style: chr2-61842146-T-C. GRCh37 (hg19) VCF-style: chr2-62069281-T-C.
Other names: c.398A>G, p.Glu133Gly (NM_032180.3); short protein forms E133G.
Identifiers: ClinVar variation 2133061 (VCV002133061.4), dbSNP rs2466033440, ClinGen allele CA346989261.
Genomic context (GRCh38, chr2:61,842,146, plus strand): 5'-TTATACTCCACAAATAACATTGAGTTACAAGCTTACCTGGAAGAGTCACTAAGAGAGTCT[T>C]CTCTGATGACCACTGGCTGAACTTCCTTTAAATGTAATTTATCCTGGTACATTTTCTCTA-3'
Protein context (NP_001188472.1, residues 123-143): LKEVQPVVIR[Glu133Gly]DSLSDSSRSV

ClinVar aggregate classification (germline): Uncertain significance (1 of 4 stars; one submission).

Submission:

Labcorp Genetics (formerly Invitae), Labcorp
Classification: Uncertain significance. Last evaluated: 2022-08-23. Review status: criteria provided, single submitter. Criteria: Invitae Variant Classification Sherloc (09022015). Collection method: clinical testing. Allele origin: germline.
Comment: This sequence change replaces glutamic acid, which is acidic and polar, with glycine, which is neutral and non-polar, at codon 133 of the FAM161A protein (p.Glu133Gly). This variant is not present in population databases (gnomAD no frequency). This variant has not been reported in the literature in individuals affected with FAM161A-related conditions. Algorithms developed to predict the effect of missense changes on protein structure and function are either unavailable or do not agree on the potential impact of this missense change (SIFT: "Deleterious"; PolyPhen-2: "Benign"; Align-GVGD: "Class C0"). In summary, the available evidence is currently insufficient to determine the role of this variant in disease. Therefore, it has been classified as a Variant of Uncertain Significance.